The following is an entry in ClinVar:

ClinVar aggregate classification (germline): Uncertain significance. Review status: criteria provided, multiple submitters, no conflicts (2 of 4 stars). 3 submissions from 3 submitters: Uncertain significance (3). Last evaluated 2025-05-16.

Conditions:
Inborn genetic diseases. Identifiers: MedGen C0950123, MeSH D030342.
Developmental and epileptic encephalopathy. Identifiers: MedGen C5779964, MONDO:0100620.

Allele frequency attached by ClinVar (database versions not stated): ExAC 0.00002; gnomAD exomes 0.00003 and 0.00001; gnomAD 0.00003 and 0.00004; ESP Exome Variant Server 0.00008; TOPMed 0.00005.
gnomAD v4.1: 59 of 1,614,170 alleles (0.0037%); highest among the groups gnomAD compares: Admixed American, 0.017%; 3 homozygotes.

Submissions (3):

Ambry Genetics
Classification: Uncertain significance for Inborn genetic diseases. Last evaluated: 2025-05-16. Review status: criteria provided, single submitter. Criteria: Ambry Variant Classification Scheme 2023. Collection method: clinical testing. Allele origin: germline.

Labcorp Genetics (formerly Invitae), Labcorp
Classification: Uncertain significance for Early-infantile DEE. Last evaluated: 2022-09-12. Review status: criteria provided, single submitter. Criteria: Invitae Variant Classification Sherloc (09022015). Collection method: clinical testing. Allele origin: germline.
Comment: This sequence change replaces serine, which is neutral and polar, with glycine, which is neutral and non-polar, at codon 185 of the CACNA2D2 protein (p.Ser185Gly). The frequency data for this variant in the population databases is considered unreliable, as metrics indicate poor data quality at this position in the gnomAD database. This variant has not been reported in the literature in individuals affected with CACNA2D2-related conditions. ClinVar contains an entry for this variant (Variation ID: 411012). Algorithms developed to predict the effect of missense changes on protein structure and function (SIFT, PolyPhen-2, Align-GVGD) all suggest that this variant is likely to be tolerated. In summary, the available evidence is currently insufficient to determine the role of this variant in disease. Therefore, it has been classified as a Variant of Uncertain Significance.

Fulgent Genetics
Classification: Uncertain significance for Early infantile epileptic encephalopathy with suppression bursts. Last evaluated: 2018-10-31. Review status: criteria provided, single submitter. Criteria: ACMG Guidelines, 2015. Collection method: clinical testing. Allele origin: unknown.

NM_006030.4(CACNA2D2):c.553A>G (p.Ser185Gly)

Gene: CACNA2D2 (calcium voltage-gated channel auxiliary subunit alpha2delta 2; minus strand). Cytogenetic location: 3p21.31.
Variant type: single nucleotide variant.
Coding change: c.553A>G on transcript NM_006030.4 (MANE Select); coding-DNA position 553, A replaced by G.
Protein change: p.Ser185Gly; replaces serine 185 with glycine.
Molecular consequence: missense variant.
Genome position (GRCh38, 1-based): chr3:50,384,295, T>C on the plus strand (A>G on the coding strand, the complement: CACNA2D2 is on the minus strand). VCF-style: chr3-50384295-T-C. GRCh37 (hg19) VCF-style: chr3-50421726-T-C.
Other names: c.553A>G, p.Ser185Gly (NM_001005505.3, NM_001174051.3); c.346A>G, p.Ser116Gly (NM_001291101.1); c.553A>G (NM_001174051.1); short protein forms S185G, S116G.
Identifiers: ClinVar variation 411012 (VCV000411012.10), dbSNP rs368540577, ClinGen allele CA2419145.